The following is an entry in ClinVar:

ClinVar aggregate classification (germline): Uncertain significance (1 of 4 stars; one submission).

Submission:

GeneDx
Classification: Uncertain significance. Last evaluated: 2024-08-05. Review status: criteria provided, single submitter. Criteria: GeneDx Variant Classification Process June 2021. Collection method: clinical testing. Allele origin: germline. Affected: yes.
Comment: Not observed at significant frequency in large population cohorts (gnomAD); In silico analysis supports that this missense variant has a deleterious effect on protein structure/function; Has not been previously published as pathogenic or benign to our knowledge

NM_006421.5(ARFGEF1):c.4899C>G (p.Asn1633Lys)

Gene: ARFGEF1 (ARF guanine nucleotide exchange factor 1; minus strand). Cytogenetic location: 8q13.2.
Variant type: single nucleotide variant.
Coding change: c.4899C>G on transcript NM_006421.5 (MANE Select); coding-DNA position 4899, C replaced by G.
Protein change: p.Asn1633Lys; replaces asparagine 1633 with lysine.
Molecular consequence: missense variant. On other transcripts: non-coding transcript variant (1), intron variant (2).
Genome position (GRCh38, 1-based): chr8:67,204,740, G>C on the plus strand (C>G on the coding strand, the complement: ARFGEF1 is on the minus strand). VCF-style: chr8-67204740-G-C. GRCh37 (hg19) VCF-style: chr8-68116975-G-C.
Other names: c.4899C>G, p.Asn1633Lys (NM_001413184.1, NM_001413187.1, NM_001413194.1); c.4881C>G, p.Asn1627Lys (NM_001413185.1, NM_001413186.1, NM_001413189.1); c.4299C>G, p.Asn1433Lys (NM_001413188.1, NM_001413197.1); c.4893C>G, p.Asn1631Lys (NM_001413190.1); c.4281C>G, p.Asn1427Lys (NM_001413193.1); c.3474C>G, p.Asn1158Lys (NM_001413196.1); c.4802-17C>G (NM_001413192.1); c.4820-17C>G (NM_001413191.1); short protein forms N1158K, N1427K, N1433K, N1627K, N1631K, N1633K.
Identifiers: ClinVar variation 3603186 (VCV003603186.1).